The following is an entry in ClinVar:

NM_001243133.2(NLRP3):c.1673T>C (p.Val558Ala)

Gene: NLRP3 (NLR family pyrin domain containing 3; plus strand). Cytogenetic location: 1q44.
Variant type: single nucleotide variant.
Coding change: c.1673T>C on transcript NM_001243133.2 (MANE Select); coding-DNA position 1673, T replaced by C.
Protein change: p.Val558Ala; replaces valine 558 with alanine.
Molecular consequence: missense variant.
Genome position (GRCh38, 1-based): chr1:247,425,122, T>C. VCF-style: chr1-247425122-T-C. GRCh37 (hg19) VCF-style: chr1-247588424-T-C.
Other names: c.1673T>C, p.Val558Ala (NM_001079821.3, NM_001127461.3, NM_001127462.3 and 1 more transcripts); c.1679T>C, p.Val560Ala (NM_004895.5); short protein forms V560A, V558A.
Identifiers: ClinVar variation 3685981 (VCV003685981.2).

ClinVar aggregate classification (germline): Uncertain significance (1 of 4 stars; one submission).

Conditions:
Cryopyrin associated periodic syndrome (CAPS). Identifiers: Orphanet 208650, MedGen C2316212, MONDO:0016168.

Submission:

Labcorp Genetics (formerly Invitae), Labcorp
Classification: Uncertain significance for Cryopyrin associated periodic syndrome. Last evaluated: 2024-03-07. Review status: criteria provided, single submitter. Criteria: Invitae Variant Classification Sherloc (09022015). Collection method: clinical testing. Allele origin: germline.
Comment: This sequence change replaces valine, which is neutral and non-polar, with alanine, which is neutral and non-polar, at codon 560 of the NLRP3 protein (p.Val560Ala). This variant is not present in population databases (gnomAD no frequency). This variant has not been reported in the literature in individuals affected with NLRP3-related conditions. Advanced modeling of protein sequence and biophysical properties (such as structural, functional, and spatial information, amino acid conservation, physicochemical variation, residue mobility, and thermodynamic stability) has been performed at Invitae for this missense variant, however the output from this modeling did not meet the statistical confidence thresholds required to predict the impact of this variant on NLRP3 protein function. In summary, the available evidence is currently insufficient to determine the role of this variant in disease. Therefore, it has been classified as a Variant of Uncertain Significance.